The following is an entry in ClinVar:

ClinVar aggregate classification (germline): Uncertain significance. Review status: criteria provided, multiple submitters, no conflicts (2 of 4 stars). 2 submissions from 2 submitters: Uncertain significance (2). Last evaluated 2023-08-23.

Conditions:
Leber congenital amaurosis 4 (LCA4). Identifiers: MedGen C1858386, MONDO:0011458, OMIM 604393.

Allele frequency attached by ClinVar (database versions not stated): gnomAD 0.00001; TOPMed 0.00001.
gnomAD v4.1: 30 of 1,613,936 alleles (0.0019%); highest among the groups gnomAD compares: Middle Eastern, 0.017%; no homozygotes.

Submissions (2):

Blueprint Genetics
Classification: Uncertain significance. Last evaluated: 2023-08-23. Review status: criteria provided, single submitter. Criteria: ACMG Guidelines, 2015. Collection method: clinical testing. Allele origin: germline.

Labcorp Genetics (formerly Invitae), Labcorp
Classification: Uncertain significance for Leber congenital amaurosis 4. Last evaluated: 2022-03-27. Review status: criteria provided, single submitter. Criteria: Invitae Variant Classification Sherloc (09022015). Collection method: clinical testing. Allele origin: germline.
Comment: This sequence change replaces glutamic acid, which is acidic and polar, with lysine, which is basic and polar, at codon 86 of the AIPL1 protein (p.Glu86Lys). This variant is present in population databases (rs549595673, gnomAD 0.02%). This variant has not been reported in the literature in individuals affected with AIPL1-related conditions. Algorithms developed to predict the effect of missense changes on protein structure and function are either unavailable or do not agree on the potential impact of this missense change (SIFT: "Tolerated"; PolyPhen-2: "Probably Damaging"; Align-GVGD: "Class C0"). In summary, the available evidence is currently insufficient to determine the role of this variant in disease. Therefore, it has been classified as a Variant of Uncertain Significance.

NM_014336.5(AIPL1):c.256G>A (p.Glu86Lys)

Gene: AIPL1 (AIP like 1 HSP90 co-chaperone; minus strand). Cytogenetic location: 17p13.2.
Variant type: single nucleotide variant.
Coding change: c.256G>A on transcript NM_014336.5 (MANE Select); coding-DNA position 256, G replaced by A.
Protein change: p.Glu86Lys; replaces glutamic acid 86 with lysine.
Molecular consequence: missense variant. On other transcripts: intron variant (1).
Genome position (GRCh38, 1-based): chr17:6,433,939, C>T on the plus strand (G>A on the coding strand, the complement: AIPL1 is on the minus strand). VCF-style: chr17-6433939-C-T. GRCh37 (hg19) VCF-style: chr17-6337259-C-T.
Other names: c.256G>A, p.Glu86Lys (NM_001033054.3, NM_001285401.3, NM_001285403.4); c.220G>A, p.Glu74Lys (NM_001285399.3); c.190G>A, p.Glu64Lys (NM_001285400.3); c.139G>A, p.Glu47Lys (NM_001285402.2); c.96+1070G>A (NM_001033055.3); short protein forms E47K, E86K, E64K, E74K.
Identifiers: ClinVar variation 2052493 (VCV002052493.2), dbSNP rs549595673, ClinGen allele CA8328581.